The following is an entry in ClinVar:

ClinVar aggregate classification (germline): Uncertain significance (1 of 4 stars; one submission).

Allele frequency attached by ClinVar (database versions not stated): TOPMed below 0.00001; gnomAD 0.00001.
gnomAD v4.1: 1 of 1,613,852 alleles (0.000062%); highest among the groups gnomAD compares: Non-Finnish European, 0.000085%; no homozygotes.

Submission:

Labcorp Genetics (formerly Invitae), Labcorp
Classification: Uncertain significance. Last evaluated: 2022-07-06. Review status: criteria provided, single submitter. Criteria: Invitae Variant Classification Sherloc (09022015). Collection method: clinical testing. Allele origin: germline.
Comment: This sequence change replaces valine, which is neutral and non-polar, with leucine, which is neutral and non-polar, at codon 727 of the SEC24D protein (p.Val727Leu). This variant is not present in population databases (gnomAD no frequency). This variant has not been reported in the literature in individuals affected with SEC24D-related conditions. Algorithms developed to predict the effect of missense changes on protein structure and function are either unavailable or do not agree on the potential impact of this missense change (SIFT: "Not Available"; PolyPhen-2: "Benign"; Align-GVGD: "Not Available"). In summary, the available evidence is currently insufficient to determine the role of this variant in disease. Therefore, it has been classified as a Variant of Uncertain Significance.

NM_014822.4(SEC24D):c.2179G>T (p.Val727Leu)

Gene: SEC24D (SEC24 homolog D, COPII component; minus strand). Cytogenetic location: 4q26.
Variant type: single nucleotide variant.
Coding change: c.2179G>T on transcript NM_014822.4 (MANE Select); coding-DNA position 2179, G replaced by T.
Protein change: p.Val727Leu; replaces valine 727 with leucine.
Molecular consequence: missense variant.
Genome position (GRCh38, 1-based): chr4:118,740,722, C>A on the plus strand (G>T on the coding strand, the complement: SEC24D is on the minus strand). VCF-style: chr4-118740722-C-A. GRCh37 (hg19) VCF-style: chr4-119661877-C-A.
Other names: c.2182G>T, p.Val728Leu (NM_001318066.2); short protein forms V727L, V728L.
Identifiers: ClinVar variation 2061495 (VCV002061495.4), dbSNP rs1412640187, ClinGen allele CA358008054.